The following is an entry in ClinVar:

ClinVar aggregate classification (germline): Uncertain significance. Review status: criteria provided, single submitter (1 of 4 stars). 2 submissions from 2 submitters: Uncertain significance (1). 1 of the submissions does not count toward it. Last evaluated 2024-02-17.

Conditions:
Abetalipoproteinaemia (ABL). Also called: Abetalipoproteinemia; Abetalipoproteinemia neuropathy; Apolipoprotein B deficiency; Congenital betalipoprotein deficiency syndrome; MTP DEFICIENCY. Identifiers: Orphanet 14, MedGen C0000744, MONDO:0008692, OMIM 200100, HP:0008181.

Allele frequency attached by ClinVar (database versions not stated): gnomAD exomes below 0.00001; ExAC 0.00001; gnomAD 0.00001; 1000 Genomes Project 0.00020; 1000 Genomes Project 30x 0.00031.
gnomAD v4.1: 1 of 1,614,026 alleles (0.000062%); highest among the groups gnomAD compares: Admixed American, 0.0017%; no homozygotes.

Submissions (2):

Labcorp Genetics (formerly Invitae), Labcorp
Classification: Uncertain significance. Last evaluated: 2024-02-17. Review status: criteria provided, single submitter. Criteria: Invitae Variant Classification Sherloc (09022015). Collection method: clinical testing. Allele origin: germline.
Comment: This sequence change replaces histidine, which is basic and polar, with glutamine, which is neutral and polar, at codon 181 of the MTTP protein (p.His181Gln). This variant is not present in population databases (gnomAD no frequency). This variant has not been reported in the literature in individuals affected with MTTP-related conditions. ClinVar contains an entry for this variant (Variation ID: 1064236). Advanced modeling of protein sequence and biophysical properties (such as structural, functional, and spatial information, amino acid conservation, physicochemical variation, residue mobility, and thermodynamic stability) performed at Invitae indicates that this missense variant is not expected to disrupt MTTP protein function with a negative predictive value of 80%. In summary, the available evidence is currently insufficient to determine the role of this variant in disease. Therefore, it has been classified as a Variant of Uncertain Significance.

Natera, Inc.
Classification: Uncertain significance for Abetalipoproteinemia. Last evaluated: 2020-11-18. Review status: no assertion criteria provided. Collection method: clinical testing. Allele origin: germline. Not counted in ClinVar's aggregate classification.

NM_001386140.1(MTTP):c.543T>G (p.His181Gln)

Gene: MTTP (microsomal triglyceride transfer protein; plus strand). Cytogenetic location: 4q23.
Variant type: single nucleotide variant.
Coding change: c.543T>G on transcript NM_001386140.1 (MANE Select); coding-DNA position 543, T replaced by G.
Protein change: p.His181Gln; replaces histidine 181 with glutamine.
Molecular consequence: missense variant.
Genome position (GRCh38, 1-based): chr4:99,591,276, T>G. VCF-style: chr4-99591276-T-G. GRCh37 (hg19) VCF-style: chr4-100512433-T-G.
Other names: c.543T>G, p.His181Gln (NM_000253.4); c.294T>G, p.His98Gln (NM_001300785.2); short protein forms H181Q, H98Q.
Identifiers: ClinVar variation 1064236 (VCV001064236.5), dbSNP rs150319930, ClinGen allele CA3021882.
Genomic context (GRCh38, chr4:99,591,276, plus strand): 5'-CCCTTGCCTTTCTTTTTAGGTAGATATCTCTGGAAATTGTAAAGTGACCTACCAGGCTCA[T>G]CAAGACAAAGTGATCAAAATTAAGGCCTTGGATTCATGCAAAATAGCGAGGTCTGGATTT-3'
Protein context (NP_001373069.1, residues 171-191): SGNCKVTYQA[His181Gln]QDKVIKIKAL